The following is an entry in ClinVar:

ClinVar aggregate classification (germline): Uncertain significance (1 of 4 stars; one submission).

Allele frequency attached by ClinVar (database versions not stated): gnomAD exomes below 0.00001; TOPMed below 0.00001; gnomAD 0.00001.
gnomAD v4.1: 3 of 1,614,088 alleles (0.00019%); highest among the groups gnomAD compares: South Asian, 0.0011%; no homozygotes.

Submission:

Labcorp Genetics (formerly Invitae), Labcorp
Classification: Uncertain significance. Last evaluated: 2023-11-20. Review status: criteria provided, single submitter. Criteria: Invitae Variant Classification Sherloc (09022015). Collection method: clinical testing. Allele origin: germline.
Comment: This sequence change replaces valine with alanine at codon 356 of the ARMC9 protein (p.Val356Ala). The valine residue is moderately conserved and there is a small physicochemical difference between valine and alanine. This variant is present in population databases (no rsID available, gnomAD 0.0009%). This variant has not been reported in the literature in individuals affected with ARMC9-related conditions. ClinVar contains an entry for this variant (Variation ID: 1440963). Experimental studies and prediction algorithms are not available or were not evaluated, and the functional significance of this variant is currently unknown. In summary, the available evidence is currently insufficient to determine the role of this variant in disease. Therefore, it has been classified as a Variant of Uncertain Significance.

NM_001352754.2(ARMC9):c.1067T>C (p.Val356Ala)

Gene: ARMC9 (armadillo repeat containing 9; plus strand). Cytogenetic location: 2q37.1.
Variant type: single nucleotide variant.
Coding change: c.1067T>C on transcript NM_001352754.2 (MANE Select); coding-DNA position 1067, T replaced by C.
Protein change: p.Val356Ala; replaces valine 356 with alanine.
Molecular consequence: missense variant. On other transcripts: non-coding transcript variant (1).
Genome position (GRCh38, 1-based): chr2:231,262,346, T>C. VCF-style: chr2-231262346-T-C. GRCh37 (hg19) VCF-style: chr2-232127059-T-C.
Other names: c.1067T>C, p.Val356Ala (NM_001271466.4, NM_001291656.2, NM_001352755.2 and 3 more transcripts); c.968T>C, p.Val323Ala (NM_001352757.2, NM_001352758.2); short protein forms V323A, V356A.
Identifiers: ClinVar variation 1440963 (VCV001440963.6), dbSNP rs1291424452, ClinGen allele CA350956271.